The following is an entry in ClinVar:

ClinVar aggregate classification (germline): Uncertain significance. Review status: criteria provided, multiple submitters, no conflicts (2 of 4 stars). 2 submissions from 2 submitters: Uncertain significance (2). Last evaluated 2025-12-15.

Conditions:
Hereditary cancer-predisposing syndrome. Also called: Neoplastic Syndromes, Hereditary; Tumor predisposition; Hereditary neoplastic syndrome; Hereditary Cancer Syndrome. Identifiers: Orphanet 140162, MedGen C0027672, MeSH D009386, MONDO:0015356.

Allele frequency attached by ClinVar (database versions not stated): gnomAD 0.00001; TOPMed 0.00001.

Submissions (2):

Labcorp Genetics (formerly Invitae), Labcorp
Classification: Uncertain significance. Last evaluated: 2025-12-15. Review status: criteria provided, single submitter. Criteria: Invitae Variant Classification Sherloc (09022015). Collection method: clinical testing. Allele origin: germline.
Comment: This sequence change replaces histidine, which is basic and polar, with glutamine, which is neutral and polar, at codon 1743 of the POLE protein (p.His1743Gln). This variant is not present in population databases (gnomAD no frequency). This variant has not been reported in the literature in individuals affected with POLE-related conditions. ClinVar contains an entry for this variant (Variation ID: 581203). Invitae Evidence Modeling of protein sequence and biophysical properties (such as structural, functional, and spatial information, amino acid conservation, physicochemical variation, residue mobility, and thermodynamic stability) indicates that this missense variant is not expected to disrupt POLE protein function with a negative predictive value of 80%. In summary, the available evidence is currently insufficient to determine the role of this variant in disease. Therefore, it has been classified as a Variant of Uncertain Significance.

Ambry Genetics
Classification: Uncertain significance for Hereditary cancer-predisposing syndrome. Last evaluated: 2024-02-25. Review status: criteria provided, single submitter. Criteria: Ambry Variant Classification Scheme 2023. Collection method: clinical testing. Allele origin: germline.
Comment: The p.H1743Q variant (also known as c.5229C>A), located in coding exon 39 of the POLE gene, results from a C to A substitution at nucleotide position 5229. The histidine at codon 1743 is replaced by glutamine, an amino acid with highly similar properties. This amino acid position is conserved. In addition, this alteration is predicted to be tolerated by in silico analysis. Based on the available evidence, the clinical significance of this alteration remains unclear.

NM_006231.4(POLE):c.5229C>A (p.His1743Gln)

Gene: POLE (DNA polymerase epsilon, catalytic subunit; minus strand). Cytogenetic location: 12q24.33.
Variant type: single nucleotide variant.
Coding change: c.5229C>A on transcript NM_006231.4 (MANE Select); coding-DNA position 5229, C replaced by A.
Protein change: p.His1743Gln; replaces histidine 1743 with glutamine.
Molecular consequence: missense variant.
Genome position (GRCh38, 1-based): chr12:132,641,796, G>T on the plus strand (C>A on the coding strand, the complement: POLE is on the minus strand). VCF-style: chr12-132641796-G-T. GRCh37 (hg19) VCF-style: chr12-133218382-G-T.
Other names: c.5229C>A (NM_006231.2); short protein forms H1743Q.
Identifiers: ClinVar variation 581203 (VCV000581203.9), dbSNP rs1170880797, ClinGen allele CA387376389.